The following is an entry in ClinVar:

ClinVar aggregate classification (germline): Uncertain significance. Review status: criteria provided, multiple submitters, no conflicts (2 of 4 stars). 2 submissions from 2 submitters: Uncertain significance (2). Last evaluated 2025-06-12.

Conditions:
Focal segmental glomerulosclerosis 3, susceptibility to (FSGS3). Identifiers: Orphanet 656, MedGen C1842982, MONDO:0011917, OMIM 607832.

Allele frequency attached by ClinVar (database versions not stated): gnomAD 0.00002; TOPMed 0.00002.
gnomAD v4.1: 4 of 1,612,746 alleles (0.00025%); highest among the groups gnomAD compares: African/African-American, 0.0053%; no homozygotes.

Submissions (2):

Labcorp Genetics (formerly Invitae), Labcorp
Classification: Uncertain significance. Last evaluated: 2025-06-12. Review status: criteria provided, single submitter. Criteria: Invitae Variant Classification Sherloc (09022015). Collection method: clinical testing. Allele origin: germline.
Comment: This sequence change replaces valine, which is neutral and non-polar, with alanine, which is neutral and non-polar, at codon 257 of the CD2AP protein (p.Val257Ala). This variant is not present in population databases (gnomAD no frequency). This variant has not been reported in the literature in individuals affected with CD2AP-related conditions. ClinVar contains an entry for this variant (Variation ID: 1413130). Invitae Evidence Modeling of protein sequence and biophysical properties (such as structural, functional, and spatial information, amino acid conservation, physicochemical variation, residue mobility, and thermodynamic stability) indicates that this missense variant is not expected to disrupt CD2AP protein function with a negative predictive value of 80%. In summary, the available evidence is currently insufficient to determine the role of this variant in disease. Therefore, it has been classified as a Variant of Uncertain Significance.

Fulgent Genetics
Classification: Uncertain significance for Focal segmental glomerulosclerosis 3, susceptibility to. Last evaluated: 2024-04-15. Review status: criteria provided, single submitter. Criteria: ACMG Guidelines, 2015. Collection method: clinical testing. Allele origin: germline.

NM_012120.3(CD2AP):c.770T>C (p.Val257Ala)

Gene: CD2AP (CD2 associated protein; plus strand). Cytogenetic location: 6p12.3.
Variant type: single nucleotide variant.
Coding change: c.770T>C on transcript NM_012120.3 (MANE Select); coding-DNA position 770, T replaced by C.
Protein change: p.Val257Ala; replaces valine 257 with alanine.
Molecular consequence: missense variant.
Genome position (GRCh38, 1-based): chr6:47,576,564, T>C. VCF-style: chr6-47576564-T-C. GRCh37 (hg19) VCF-style: chr6-47544300-T-C.
Other names: short protein forms V257A.
Identifiers: ClinVar variation 1413130 (VCV001413130.9), dbSNP rs1279052773, ClinGen allele CA363942788.